The following is an entry in ClinVar:

NM_000875.5(IGF1R):c.*63A>G

Gene: IGF1R (insulin like growth factor 1 receptor; plus strand). Cytogenetic location: 15q26.3.
Variant type: single nucleotide variant.
Coding change: c.*63A>G on transcript NM_000875.5 (MANE Select); 63 bases downstream of the stop codon, A replaced by G.
Molecular consequence: 3 prime UTR variant.
Genome position (GRCh38, 1-based): chr15:98,957,505, A>G. VCF-style: chr15-98957505-A-G. GRCh37 (hg19) VCF-style: chr15-99500734-A-G.
Other names: c.*63A>G (NM_001291858.2).
Identifiers: ClinVar variation 888035 (VCV000888035.4), dbSNP rs532740682, ClinGen allele CA275333286.

ClinVar aggregate classification (germline): Likely benign (1 of 4 stars; one submission).

Conditions:
Growth delay due to insulin-like growth factor I resistance. Also called: Somatomedin end-organ insensitivity to; Somatomedin-c resistance to; IGF-1 resistance; IGF-I RESISTANCE; Insulin-Like Growth Factor I Resistance. Identifiers: Orphanet 73273, MedGen C1849157, MONDO:0010038, OMIM 270450.

Allele frequency attached by ClinVar (database versions not stated): 1000 Genomes Project 0.00439.

Submission:

Illumina Laboratory Services, Illumina
Classification: Likely benign for Growth delay due to insulin-like growth factor I resistance. Last evaluated: 2018-01-13. Review status: criteria provided, single submitter. Criteria: ICSL Variant Classification Criteria 13 December 2019. Collection method: clinical testing. Allele origin: germline.
Comment: This variant was observed in the ICSL laboratory as part of a predisposition screen in an ostensibly healthy population. It had not been previously curated by ICSL or reported in the Human Gene Mutation Database (HGMD: prior to June 1st, 2018), and was therefore a candidate for classification through an automated scoring system. Utilizing variant allele frequency, disease prevalence and penetrance estimates, and inheritance mode, an automated score was calculated to assess if this variant is too frequent to cause the disease. Based on the score and internal cut-off values, a variant classified as likely benign is not then subjected to further curation. The score for this variant resulted in a classification of likely benign for this disease.